The following is an entry in ClinVar:

NM_001172509.2(SATB2):c.482del (p.Lys161fs)

Gene: SATB2 (SATB homeobox 2; minus strand). Cytogenetic location: 2q33.1.
Variant type: Deletion.
Coding change: c.482del on transcript NM_001172509.2 (MANE Select); coding-DNA position 482, one base deleted (A; older notation c.482delA).
Protein change: p.Lys161fs; shifts the reading frame from lysine 161.
Molecular consequence: frameshift variant.
Genome position (GRCh38, 1-based): chr2:199,380,479, T deleted on the plus strand (A on the coding strand, the reverse complement: SATB2 is on the minus strand); the first of 3 consecutive T bases (chr2:199,380,479-199,380,481); deleting any one gives the same sequence. VCF-style (leftmost placement, unchanged base first): chr2-199380478-CT-C. GRCh37 (hg19) VCF-style: chr2-200245201-CT-C.
Other names: c.482del, p.Lys161fs (NM_001172517.1, NM_015265.4); short protein forms K161fs.
Identifiers: ClinVar variation 419365 (VCV000419365.2), dbSNP rs1064793820, ClinGen allele CA16617411.
Genomic context (GRCh38, chr2:199,380,478, plus strand): 5'-TTCCTTTAAGGCATTGCGGACTGTGGCATGGTTCCACTGCTCCGCAGGCAAGTCTTCCAA[CT>C]TTGAACAACTGCAAAACAGAGCAATAATGAACAATACACAAACCTCAACCAGGGTCCCTG-3'

ClinVar aggregate classification (germline): Pathogenic (1 of 4 stars; one submission).

Submission:

GeneDx
Classification: Pathogenic. Last evaluated: 2015-08-07. Review status: criteria provided, single submitter. Criteria: GeneDx Variant Classification (06012015). Collection method: clinical testing. Allele origin: germline. Affected: yes.
Comment: The c.482delA deletion in the SATB2 gene has not been reported previously as a pathogenic variant nor as a benign polymorphism, to our knowledge. The c.482delA deletion causes a frameshift starting with codon Lysine 161, changes this amino acid to a Serine residue, and creates a premature Stop codon at position 19 of the new reading frame, denoted p.Lys161SerfsX19. This deletion is predicted tocause loss of normal protein function either through protein truncation or nonsense-mediated mRNA decay. The c.482delA variant was not observed in approximately 6,500 individuals of European and African American ancestry in the NHLBI Exome Sequencing Project, indicating it is not a common benign variant in these populations. We interpret c.482delA as a pathogenic variant.